The following is an entry in ClinVar:

ClinVar aggregate classification (germline): Likely pathogenic (1 of 4 stars; one submission).

Conditions:
Hereditary cancer-predisposing syndrome. Also called: Neoplastic Syndromes, Hereditary; Tumor predisposition; Hereditary Cancer Syndrome; Hereditary neoplastic syndrome. Identifiers: Orphanet 140162, MedGen C0027672, MeSH D009386, MONDO:0015356.

Submission:

Ambry Genetics
Classification: Likely pathogenic for Hereditary cancer-predisposing syndrome. Last evaluated: 2025-12-22. Review status: criteria provided, single submitter. Criteria: Ambry Variant Classification Scheme 2023. Collection method: clinical testing. Allele origin: germline.
Comment: The c.5990_5991insL1 likely pathogenic variant results from the insertion of an L1 element between nucleotides 5990 and 5991 in coding exon 10 of the BRCA2 gene. Mobile element insertions contribute to pathogenicity by either disrupting the coding sequence or inducing aberrant splicing (Belancio VP et al. Semin. Cancer Biol. 2010 Aug;20:200-10; Deininger P et al. Genome Biol. 2011 Dec;12:236; van der Klift HM Hum Mutat. 2012 Jul;33(7):1051-5). Based on the majority of available evidence to date, this variant is likely to be pathogenic.

NM_000059.3:c.5990_5991insL1

Gene: BRCA2 (BRCA2 DNA repair associated; plus strand).
Variant type: Insertion.
Identifiers: ClinVar variation 2586297 (VCV002586297.3).